The following is an entry in ClinVar:

NM_001040431.3(COA3):c.214+6C>T

Gene: COA3 (cytochrome c oxidase assembly factor 3; minus strand). Cytogenetic location: 17q21.2.
Variant type: single nucleotide variant.
Coding change: c.214+6C>T on transcript NM_001040431.3 (MANE Select); 6 bases into the intron after coding-DNA position 214, C replaced by T.
Molecular consequence: intron variant.
Genome position (GRCh38, 1-based): chr17:42,798,462, G>A on the plus strand (C>T on the coding strand, the complement: COA3 is on the minus strand). VCF-style: chr17-42798462-G-A. GRCh37 (hg19) VCF-style: chr17-40950480-G-A.
Identifiers: ClinVar variation 4762956 (VCV004762956.1).
Genomic context (GRCh38, chr17:42,798,462, plus strand): 5'-CTCTTGCACACTCTGTTCCCCTGCCCCTATATGCGGTCCCCTTGAGTCTACAACACGGAC[G>A]GATACAAATAGCCAACACCAGGGCCCCGATGCCTAGGCCGGTCACGATGTTCCGGGTTCG-3'

ClinVar aggregate classification (germline): Uncertain significance (1 of 4 stars; one submission).

gnomAD v4.1: 3 of 1,610,886 alleles (0.00019%); highest among the groups gnomAD compares: Admixed American, 0.0017%; no homozygotes.

Submission:

Labcorp Genetics (formerly Invitae), Labcorp
Classification: Uncertain significance. Last evaluated: 2025-06-09. Review status: criteria provided, single submitter. Criteria: Invitae Variant Classification Sherloc (09022015). Collection method: clinical testing. Allele origin: germline.
Comment: This sequence change falls in intron 1 of the COA3 gene. It does not directly change the encoded amino acid sequence of the COA3 protein. It affects a nucleotide within the consensus splice site. This variant is present in population databases (no rsID available, gnomAD 0.003%). This variant has not been reported in the literature in individuals affected with COA3-related conditions. Variants that disrupt the consensus splice site are a relatively common cause of aberrant splicing (PMID: 17576681, 9536098). Algorithms developed to predict the effect of sequence changes on RNA splicing suggest that this variant may disrupt the consensus splice site. In summary, the available evidence is currently insufficient to determine the role of this variant in disease. Therefore, it has been classified as a Variant of Uncertain Significance.

Literature cited by the submitters: PubMed 17576681; PubMed 9536098.